The following is an entry in ClinVar:

ClinVar aggregate classification (germline): Uncertain significance/VUS-high. Review status: criteria provided, multiple submitters, no conflicts (2 of 4 stars). 7 submissions from 7 submitters: Uncertain significance (6); VUS-high (1). Last evaluated 2026-08-19.

Conditions:
Autosomal recessive titinopathy. Identifiers: MedGen CN315649, MONDO:0100493.
TTN-related disorder. Also called: TTN-related disorders; TTN-related condition; TTN-related disease.
Autosomal recessive limb-girdle muscular dystrophy type 2J (LGMDR10). Also called: Limb-girdle muscular dystrophy, type 2J; MUSCULAR DYSTROPHY, LIMB-GIRDLE, AUTOSOMAL RECESSIVE 10. Identifiers: Orphanet 140922, MedGen C1837342, MONDO:0012127, OMIM 608807.
Dilated cardiomyopathy 1G (CMD1G). Identifiers: Orphanet 154, MedGen C1858763, MONDO:0011400, OMIM 604145.
Cardiovascular phenotype. Identifiers: MedGen CN230736.
Early-onset myopathy with fatal cardiomyopathy (CMYO5). Also called: Salih Myopathy; CONGENITAL MYOPATHY 5 WITH CARDIOMYOPATHY. Identifiers: Orphanet 289377, MedGen C2673677, MONDO:0012714, OMIM 611705. Disease mechanism: loss of function.
Hypertrophic cardiomyopathy 9. Also called: Familial hypertrophic cardiomyopathy 9. Identifiers: MedGen C1861065, MONDO:0013412, OMIM 613765.
Myopathy, myofibrillar, 9, with early respiratory failure (MFM9). Also called: Hereditary myopathy with early respiratory failure; MYOPATHY, PROXIMAL, WITH EARLY RESPIRATORY MUSCLE INVOLVEMENT; EDSTROM MYOPATHY; Myopathy, distal, with early respiratory failure, autosomal dominant. Identifiers: Orphanet 178464, Orphanet 34521, MedGen C1863599, MONDO:0011362, OMIM 603689.
Tibial muscular dystrophy (TMD). Also called: UDD MYOPATHY; Tibial muscular dystrophy, tardive; Udd Distal Myopathy – Tibial Muscular Dystrophy. Identifiers: Orphanet 609, MedGen C1838244, MONDO:0010870, OMIM 600334.

Allele frequency attached by ClinVar (database versions not stated): gnomAD 0.00002; gnomAD exomes 0.00002 and 0.00007; TOPMed 0.00003.
gnomAD v4.1: 101 of 1,607,932 alleles (0.0063%); highest among the groups gnomAD compares: Non-Finnish European, 0.0082%; no homozygotes.

Submissions (7):

PreventionGenetics, part of Exact Sciences
Classification: Uncertain significance for TTN-related condition. Last evaluated: 2026-08-19. Review status: criteria provided, single submitter. Criteria: ACMG Guidelines, 2015. Collection method: clinical testing. Allele origin: germline.
Comment: The TTN c.54142T>C variant is predicted to result in the amino acid substitution p.Ser18048Pro. This variant has been reported along with another TTN variant in an individual with childhood onset myopathy (Francesca Di Feo, et al. 2026. PubMed ID: 41749372). This variant is reported in 0.0036% of alleles in individuals of European (Non-Finnish) descent in gnomAD. At this time, the clinical significance of this variant is uncertain due to the absence of conclusive functional and genetic evidence.

Myofin, Folkhalsan Research Center
Classification: VUS-high for Autosomal recessive titinopathy. Last evaluated: 2026-02-06. Review status: criteria provided, single submitter. Criteria: ACMG Guidelines, 2015. Collection method: research. Allele origin: germline. Affected: yes.
Comment: The variant is rare in population databases (MAF 0.0000628 in gnomAD; no homozygotes reported) and has a high deleterious computational prediction (AlphaMissense 0.9851). Given limited case-level evidence and lack of robust variant-level functional/replication data, we classify this variant as Uncertain significance (VUS-high) for recessive titinopathy.

GeneDx
Classification: Uncertain significance. Last evaluated: 2023-11-07. Review status: criteria provided, single submitter. Criteria: GeneDx Variant Classification Process June 2021. Collection method: clinical testing. Allele origin: germline. Affected: yes.
Comment: Not observed at significant frequency in large population cohorts (gnomAD); Missense variant in a gene in which most reported pathogenic variants are truncating/loss of function; Has not been previously published as pathogenic or benign to our knowledge

Blueprint Genetics
Classification: Uncertain significance. Last evaluated: 2023-07-28. Review status: criteria provided, single submitter. Criteria: ACMG Guidelines, 2015. Collection method: clinical testing. Allele origin: germline.

Fulgent Genetics
Classification: Uncertain significance for Tibial muscular dystrophy; Myopathy, myofibrillar, 9, with early respiratory failure; Dilated cardiomyopathy 1G; Autosomal recessive limb-girdle muscular dystrophy type 2J; Early-onset myopathy with fatal cardiomyopathy; Hypertrophic cardiomyopathy 9. Last evaluated: 2021-08-10. Review status: criteria provided, single submitter. Criteria: ACMG Guidelines, 2015. Collection method: clinical testing. Allele origin: unknown.

Ambry Genetics
Classification: Uncertain significance for Cardiovascular phenotype. Last evaluated: 2020-03-23. Review status: criteria provided, single submitter. Criteria: Ambry Variant Classification Scheme 2023. Collection method: clinical testing. Allele origin: germline.
Comment: The p.S8983P variant (also known as c.26947T>C), located in coding exon 107 of the TTN gene, results from a T to C substitution at nucleotide position 26947. The serine at codon 8983 is replaced by proline, an amino acid with similar properties. This amino acid position is well conserved in available vertebrate species. In addition, the in silico prediction for this alteration is inconclusive. Since supporting evidence is limited at this time, the clinical significance of this alteration remains unclear.

Labcorp Genetics (formerly Invitae), Labcorp
Classification: Uncertain significance for Dilated cardiomyopathy 1G; Autosomal recessive limb-girdle muscular dystrophy type 2J. Last evaluated: 2016-06-11. Review status: criteria provided, single submitter. Criteria: Invitae Variant Classification Sherloc (09022015). Collection method: clinical testing. Allele origin: germline.

Literature cited by the submitters: DOI 10.1101/2025.07.17.25331132 (cited by Myofin, Folkhalsan Research Center).

NM_001267550.2(TTN):c.54142T>C (p.Ser18048Pro)

Genes: TTN (titin; minus strand), TTN-AS1 (TTN antisense RNA 1; plus strand). Cytogenetic location: 2q31.2.
Variant type: single nucleotide variant.
Coding change: c.54142T>C on transcript NM_001267550.2 (MANE Select); coding-DNA position 54142, T replaced by C.
Protein change: p.Ser18048Pro; replaces serine 18048 with proline.
Molecular consequence: missense variant. On other transcripts: non-coding transcript variant (1).
Genome position (GRCh38, 1-based): chr2:178,605,035, A>G on the plus strand (T>C on the coding strand, the complement: TTN is on the minus strand). VCF-style: chr2-178605035-A-G. GRCh37 (hg19) VCF-style: chr2-179469762-A-G.
Other names: c.54142T>C (NM_001267550.1); c.49219T>C, p.Ser16407Pro (NM_001256850.1); c.26947T>C, p.Ser8983Pro (NM_003319.4); c.46438T>C, p.Ser15480Pro (NM_133378.4); c.27322T>C, p.Ser9108Pro (NM_133432.3); c.27523T>C, p.Ser9175Pro (NM_133437.4); short protein forms S18048P, S8983P, S16407P, S9108P, S9175P, S15480P.
Identifiers: ClinVar variation 404955 (VCV000404955.11), dbSNP rs878999356, ClinGen allele CA16610465.